The following is an entry in ClinVar:

ClinVar aggregate classification (germline): Conflicting classifications of pathogenicity. Review status: criteria provided, conflicting classifications (1 of 4 stars). 2 submissions from 2 submitters: Uncertain significance (1); Likely benign (1). Last evaluated 2026-05-14.

Allele frequency attached by ClinVar (database versions not stated): gnomAD exomes 0.00002; ExAC 0.00003; ESP Exome Variant Server 0.00008; 1000 Genomes Project 0.00020; gnomAD 0.00026; 1000 Genomes Project 30x 0.00031.
gnomAD v4.1: 70 of 1,609,402 alleles (0.0043%); highest among the groups gnomAD compares: African/African-American, 0.07%; no homozygotes.

Submissions (2):

Ambry Genetics
Classification: Uncertain significance. Last evaluated: 2026-05-14. Review status: criteria provided, single submitter. Criteria: Ambry Variant Classification Scheme 2023. Collection method: clinical testing. Allele origin: germline.

CeGaT Center for Human Genetics Tuebingen
Classification: Likely benign. Last evaluated: 2024-09-01. Review status: criteria provided, single submitter. Criteria: CeGaT Center For Human Genetics Tuebingen Variant Classification Criteria Version 2. Collection method: clinical testing. Allele origin: germline. Affected: yes. Observed: 1 variant allele.
Comment: AHNAK2: BP4

NM_138420.4(AHNAK2):c.9874G>A (p.Gly3292Arg)

Gene: AHNAK2 (AHNAK nucleoprotein 2; minus strand). Cytogenetic location: 14q32.33.
Variant type: single nucleotide variant.
Coding change: c.9874G>A on transcript NM_138420.4 (MANE Select); coding-DNA position 9874, G replaced by A.
Protein change: p.Gly3292Arg; replaces glycine 3292 with arginine.
Molecular consequence: missense variant.
Genome position (GRCh38, 1-based): chr14:104,945,577, C>T on the plus strand (G>A on the coding strand, the complement: AHNAK2 is on the minus strand). VCF-style: chr14-104945577-C-T. GRCh37 (hg19) VCF-style: chr14-105411914-C-T.
Other names: c.9574G>A, p.Gly3192Arg (NM_001350929.2); short protein forms G3192R, G3292R.
Identifiers: ClinVar variation 3102041 (VCV003102041.16), dbSNP rs374910618, ClinGen allele CA7379412.
Genomic context (GRCh38, chr14:104,945,577, plus strand): 5'-TGGGCATTTTGAACTTGCTGTCTTTGGCAGTCACATCCTTGTCGGCCAGGGACAGGTCCC[C>T]CTCCAGCCGTGCACCATCCAACTTGGCTCCTGGGGCCTCGACGTCCACCTCCATGCTGGG-3'
Protein context (NP_612429.2, residues 3282-3302): GAKLDGARLE[Gly3292Arg]DLSLADKDVT